The following is an entry in ClinVar:

ClinVar aggregate classification (germline): Uncertain significance (1 of 4 stars; one submission).

Submission:

Labcorp Genetics (formerly Invitae), Labcorp
Classification: Uncertain significance. Last evaluated: 2025-02-19. Review status: criteria provided, single submitter. Criteria: Invitae Variant Classification Sherloc (09022015). Collection method: clinical testing. Allele origin: germline.
Comment: This variant, c.4650_4655dup, results in the insertion of 2 amino acid(s) of the KMT2E protein (p.Pro1551_Pro1552dup), but otherwise preserves the integrity of the reading frame. This variant is present in population databases (no rsID available, gnomAD 0.003%). This variant has not been reported in the literature in individuals affected with KMT2E-related conditions. In summary, the available evidence is currently insufficient to determine the role of this variant in disease. Therefore, it has been classified as a Variant of Uncertain Significance.

NM_182931.3(KMT2E):c.4650_4655dup (p.Pro1552_Ser1553insProPro)

Gene: KMT2E (lysine methyltransferase 2E (inactive); plus strand). Cytogenetic location: 7q22.3.
Variant type: Duplication.
Coding change: c.4650_4655dup on transcript NM_182931.3 (MANE Select); coding-DNA positions 4650 to 4655, 6 bases duplicated (ACCTCC; older notation c.4650_4655dupACCTCC).
Protein change: p.Pro1552_Ser1553insProPro.
Molecular consequence: inframe insertion.
Genome position (GRCh38, 1-based): chr7:105,112,406-105,112,411, ACCTCC duplicated; duplicating any 6 consecutive bases within chr7:105,112,401-105,112,411 gives the same sequence; the c. name uses the placement nearest the transcript's 3' end. VCF-style (leftmost placement, unchanged base first): chr7-105112400-T-TCCTCCA. GRCh37 (hg19) VCF-style: chr7-104752847-T-TCCTCCA.
Other names: c.4524_4529dup, p.Pro1510_Ser1511insProPro (NM_001410908.1); c.4650_4655dup, p.Pro1552_Ser1553insProPro (NM_018682.4).
Identifiers: ClinVar variation 4749067 (VCV004749067.1).